The following is an entry in ClinVar:

ClinVar aggregate classification (germline): Uncertain significance (1 of 4 stars; one submission).

Allele frequency attached by ClinVar (database versions not stated): gnomAD exomes 0.00001; TOPMed 0.00001.
gnomAD v4.1: 6 of 1,612,246 alleles (0.00037%); highest among the groups gnomAD compares: East Asian, 0.0022%; no homozygotes.

Submission:

Labcorp Genetics (formerly Invitae), Labcorp
Classification: Uncertain significance. Last evaluated: 2022-07-05. Review status: criteria provided, single submitter. Criteria: Invitae Variant Classification Sherloc (09022015). Collection method: clinical testing. Allele origin: germline.
Comment: In summary, the available evidence is currently insufficient to determine the role of this variant in disease. Therefore, it has been classified as a Variant of Uncertain Significance. Algorithms developed to predict the effect of sequence changes on RNA splicing suggest that this variant may disrupt the consensus splice site. Algorithms developed to predict the effect of missense changes on protein structure and function are either unavailable or do not agree on the potential impact of this missense change (SIFT: "Deleterious"; PolyPhen-2: "Probably Damaging"; Align-GVGD: "Class C0"). This variant has not been reported in the literature in individuals affected with BMP1-related conditions. This variant is present in population databases (no rsID available, gnomAD 0.002%). This sequence change replaces glutamic acid, which is acidic and polar, with lysine, which is basic and polar, at codon 579 of the BMP1 protein (p.Glu579Lys).

NM_006129.5(BMP1):c.1735G>A (p.Glu579Lys)

Genes: BMP1 (bone morphogenetic protein 1; plus strand), LOC113788269 (BRD4-independent group 4 enhancer GRCh37_chr8:22052064-22053263; plus strand). Cytogenetic location: 8p21.3.
Variant type: single nucleotide variant.
Coding change: c.1735G>A on transcript NM_006129.5 (MANE Select); coding-DNA position 1735, G replaced by A.
Protein change: p.Glu579Lys; replaces glutamic acid 579 with lysine.
Molecular consequence: missense variant. On other transcripts: non-coding transcript variant (2).
Genome position (GRCh38, 1-based): chr8:22,195,557, G>A. VCF-style: chr8-22195557-G-A. GRCh37 (hg19) VCF-style: chr8-22053070-G-A.
Other names: c.1735G>A, p.Glu579Lys (NM_001199.4); short protein forms E579K.
Identifiers: ClinVar variation 2047185 (VCV002047185.2), dbSNP rs1255528790, ClinGen allele CA370496192.